The following is an entry in ClinVar:

NM_016011.5(MECR):c.449dup (p.Gln151fs)

Gene: MECR (mitochondrial trans-2-enoyl-CoA reductase; minus strand). Cytogenetic location: 1p35.3.
Variant type: Duplication.
Coding change: c.449dup on transcript NM_016011.5 (MANE Select); coding-DNA position 449, one base duplicated (T; older notation c.449dupT).
Protein change: p.Gln151fs; shifts the reading frame from glutamine 151.
Molecular consequence: frameshift variant. On other transcripts: non-coding transcript variant (4).
Genome position (GRCh38, 1-based): chr1:29,206,863, A duplicated on the plus strand (T on the coding strand, the reverse complement: MECR is on the minus strand). VCF-style (leftmost placement, unchanged base first): chr1-29206862-G-GA. GRCh37 (hg19) VCF-style: chr1-29533374-G-GA.
Other names: c.221dup, p.Gln75fs (NM_001024732.4, NM_001349711.2, NM_001349712.2 and 2 more transcripts); c.554dup, p.Gln186fs (NM_001349715.2); c.533dup, p.Gln179fs (NM_001349716.2); c.299dup, p.Gln101fs (NM_001349717.2); short protein forms Q151fs, Q101fs, Q186fs, Q179fs, Q75fs.
Identifiers: ClinVar variation 2840857 (VCV002840857.3), dbSNP rs1171582595, ClinGen allele CA522101073.
Genomic context (GRCh38, chr1:29,206,862, plus strand): 5'-TGTGCAGGGATTGACACCCAGGGTGGCAGCGCTCTGAAGAGGGATGTCACTCGGAACTTG[G>GA]ATCAGTGCTTCCTCGCTGAACACAGCCTCGGTCCGCCAGGTTCCTGAGTCAGAAGATGAA-3'

ClinVar aggregate classification (germline): Pathogenic (1 of 4 stars; one submission).

Allele frequency attached by ClinVar (database versions not stated): gnomAD exomes below 0.00001.

Submission:

Labcorp Genetics (formerly Invitae), Labcorp
Classification: Pathogenic. Last evaluated: 2023-02-25. Review status: criteria provided, single submitter. Criteria: Invitae Variant Classification Sherloc (09022015). Collection method: clinical testing. Allele origin: germline.
Comment: This sequence change creates a premature translational stop signal (p.Gln151Profs*5) in the MECR gene. It is expected to result in an absent or disrupted protein product. Loss-of-function variants in MECR are known to be pathogenic (PMID: 27817865). This variant is present in population databases (no rsID available, gnomAD 0.003%). This variant has not been reported in the literature in individuals affected with MECR-related conditions. For these reasons, this variant has been classified as Pathogenic.

Literature cited by the submitters: PubMed 27817865.